The following is an entry in ClinVar:

NM_024642.5(GALNT12):c.499C>G (p.Leu167Val)

Gene: GALNT12 (polypeptide N-acetylgalactosaminyltransferase 12; plus strand). Cytogenetic location: 9q22.33.
Variant type: single nucleotide variant.
Coding change: c.499C>G on transcript NM_024642.5 (MANE Select); coding-DNA position 499, C replaced by G.
Protein change: p.Leu167Val; replaces leucine 167 with valine.
Molecular consequence: missense variant.
Genome position (GRCh38, 1-based): chr9:98,823,383, C>G. VCF-style: chr9-98823383-C-G. GRCh37 (hg19) VCF-style: chr9-101585665-C-G.
Other names: short protein forms L167V.
Identifiers: ClinVar variation 1055269 (VCV001055269.9), dbSNP rs2118355970, ClinGen allele CA374216827.

ClinVar aggregate classification (germline): Uncertain significance (1 of 4 stars; one submission).

Submission:

Labcorp Genetics (formerly Invitae), Labcorp
Classification: Uncertain significance. Last evaluated: 2017-01-16. Review status: criteria provided, single submitter. Criteria: Invitae Variant Classification Sherloc (09022015). Collection method: clinical testing. Allele origin: germline.
Comment: In summary, this variant is a novel missense change with uncertain impact on protein function. It has been classified as a Variant of Uncertain Significance. Algorithms developed to predict the effect of missense changes on protein structure and function do not agree on the potential impact of this missense change (SIFT: "Deleterious"; PolyPhen-2: "Probably Damaging"; Align-GVGD: "Class C0"). This variant is not present in population databases (ExAC no frequency) and has not been reported in the literature in individuals with a GALNT12-related disease. This sequence change replaces leucine with valine at codon 167 of the GALNT12 protein (p.Leu167Val). The leucine residue is highly conserved and there is a small physicochemical difference between leucine and valine.